The following is an entry in ClinVar:

ClinVar aggregate classification (germline): Uncertain significance. Review status: criteria provided, multiple submitters, no conflicts (2 of 4 stars). 2 submissions from 2 submitters: Uncertain significance (2). Last evaluated 2025-12-29.

Conditions:
Familial adenomatous polyposis 1 (FAP1). Also called: FAMILIAL ADENOMATOUS POLYPOSIS 1, ATTENUATED; POLYPOSIS, ADENOMATOUS INTESTINAL. Identifiers: MedGen C2713442, MONDO:0021056, OMIM 175100. Disease mechanism: loss of function.

Submissions (2):

Center for Genomic Medicine, Rigshospitalet, Copenhagen University Hospital
Classification: Uncertain significance. Last evaluated: 2025-12-29. Review status: criteria provided, single submitter. Criteria: ACMG Guidelines, 2015. Collection method: clinical testing. Allele origin: germline.
Comment: Classification criteria: PM2_supporting, BP1

Labcorp Genetics (formerly Invitae), Labcorp
Classification: Uncertain significance for Familial adenomatous polyposis 1. Last evaluated: 2025-03-26. Review status: criteria provided, single submitter. Criteria: Invitae Variant Classification Sherloc (09022015). Collection method: clinical testing. Allele origin: germline.
Comment: This sequence change replaces glutamic acid, which is acidic and polar, with valine, which is neutral and non-polar, at codon 1989 of the APC protein (p.Glu1989Val). This variant is not present in population databases (gnomAD no frequency). This variant has not been reported in the literature in individuals affected with APC-related conditions. ClinVar contains an entry for this variant (Variation ID: 1055862). Invitae Evidence Modeling of protein sequence and biophysical properties (such as structural, functional, and spatial information, amino acid conservation, physicochemical variation, residue mobility, and thermodynamic stability) indicates that this missense variant is not expected to disrupt APC protein function with a negative predictive value of 95%. In summary, the available evidence is currently insufficient to determine the role of this variant in disease. Therefore, it has been classified as a Variant of Uncertain Significance.

NM_000038.6(APC):c.5966A>T (p.Glu1989Val)

Gene: APC (APC regulator of Wnt signaling pathway; plus strand). Cytogenetic location: 5q22.2.
Variant type: single nucleotide variant.
Coding change: c.5966A>T on transcript NM_000038.6 (MANE Select); coding-DNA position 5966, A replaced by T.
Protein change: p.Glu1989Val; replaces glutamic acid 1989 with valine.
Molecular consequence: missense variant.
Genome position (GRCh38, 1-based): chr5:112,841,560, A>T. VCF-style: chr5-112841560-A-T. GRCh37 (hg19) VCF-style: chr5-112177257-A-T.
Other names: c.5966A>T, p.Glu1989Val (NM_001127510.3, NM_001354895.2); c.5912A>T, p.Glu1971Val (NM_001127511.3); c.6020A>T, p.Glu2007Val (NM_001354896.2); c.5996A>T, p.Glu1999Val (NM_001354897.2); c.5891A>T, p.Glu1964Val (NM_001354898.2); c.5882A>T, p.Glu1961Val (NM_001354899.2); c.5843A>T, p.Glu1948Val (NM_001354900.2); c.5789A>T, p.Glu1930Val (NM_001354901.2); and 5 more; short protein forms E1706V, E1829V, E1863V, E1888V, E1898V, E1930V, E1948V, E1961V.
Identifiers: ClinVar variation 1055862 (VCV001055862.47), dbSNP rs2149953659, ClinGen allele CA16034395.
Genomic context (GRCh38, chr5:112,841,560, plus strand): 5'-TGAGTTCTCTCAGTGACATTGACCAAGAAAACAACAATAAAGAAAATGAACCTATCAAAG[A>T]GACTGAGCCCCCTGACTCACAGGGAGAACCAAGTAAACCTCAAGCATCAGGCTATGCTCC-3'
Protein context (NP_000029.2, residues 1979-1999): NNNKENEPIK[Glu1989Val]TEPPDSQGEP